The following is an entry in ClinVar:

NM_001429.4(EP300):c.1179_1180del (p.Ala394fs)

Gene: EP300 (EP300 lysine acetyltransferase; plus strand). Cytogenetic location: 22q13.2.
Variant type: Microsatellite.
Coding change: c.1179_1180del on transcript NM_001429.4 (MANE Select); coding-DNA positions 1179 to 1180, 2 bases deleted (TG; older notation c.1179_1180delTG).
Protein change: p.Ala394fs; shifts the reading frame from alanine 394.
Molecular consequence: frameshift variant.
Genome position (GRCh38, 1-based): chr22:41,129,900-41,129,901, TG deleted; deleting any 2 consecutive bases within chr22:41,129,898-41,129,901 gives the same sequence; the c. name uses the placement nearest the transcript's 3' end. VCF-style (leftmost placement, unchanged base first): chr22-41129897-CTG-C. GRCh37 (hg19) VCF-style: chr22-41525901-CTG-C.
Other names: c.1179_1180del, p.Ala394fs (NM_001362843.2); short protein forms A394fs.
Identifiers: ClinVar variation 4293244 (VCV004293244.1).

ClinVar aggregate classification (germline): Pathogenic (1 of 4 stars; one submission).

Conditions:
Rubinstein-Taybi syndrome due to EP300 haploinsufficiency. Also called: EP300-Related Rubinstein-Taybi Syndrome; RUBINSTEIN-TAYBI SYNDROME 2. Identifiers: Orphanet 353284, Orphanet 783, MedGen C3150941, MONDO:0013364, OMIM 613684.

Submission:

3billion
Classification: Pathogenic for Rubinstein-Taybi syndrome due to EP300 haploinsufficiency. Last evaluated: 2024-06-26. Review status: criteria provided, single submitter. Criteria: ACMG Guidelines, 2015. Collection method: clinical testing. Allele origin: germline. Affected: yes.
Comment: The variant is not observed in the gnomAD v4.0.0 dataset. Predicted Consequence/Location: Frameshift: predicted to result in a loss or disruption of normal protein function through nonsense-mediated decay (NMD) or protein truncation. Multiple pathogenic variants are reported downstream of the variant. The variant has been reported to be associated with EP300 related disorder (PMID: 34427995). Therefore, this variant is classified as Pathogenic according to the recommendation of ACMG/AMP guideline.

Literature cited by the submitters: PubMed 34427995.